The following is an entry in ClinVar:

ClinVar aggregate classification (germline): Uncertain significance. Review status: criteria provided, multiple submitters, no conflicts (2 of 4 stars). 3 submissions from 3 submitters: Uncertain significance (3). Last evaluated 2025-12-02.

Conditions:
Hereditary nonpolyposis colorectal neoplasms. Identifiers: MedGen C0009405, MeSH D003123.
Hereditary cancer-predisposing syndrome. Also called: Hereditary neoplastic syndrome; Tumor predisposition; Neoplastic Syndromes, Hereditary; Hereditary Cancer Syndrome. Identifiers: Orphanet 140162, MedGen C0027672, MeSH D009386, MONDO:0015356.

Submissions (3):

Labcorp Genetics (formerly Invitae), Labcorp
Classification: Uncertain significance for Hereditary nonpolyposis colorectal neoplasms. Last evaluated: 2025-12-02. Review status: criteria provided, single submitter. Criteria: Invitae Variant Classification Sherloc (09022015). Collection method: clinical testing. Allele origin: germline.
Comment: This sequence change replaces asparagine, which is neutral and polar, with lysine, which is basic and polar, at codon 371 of the PMS2 protein (p.Asn371Lys). This variant is not present in population databases (gnomAD no frequency). This variant has not been reported in the literature in individuals affected with PMS2-related conditions. ClinVar contains an entry for this variant (Variation ID: 419598). Invitae Evidence Modeling incorporating data from in vitro experimental studies (internal data) indicates that this missense variant is not expected to disrupt PMS2 function with a negative predictive value of 95%. In summary, the available evidence is currently insufficient to determine the role of this variant in disease. Therefore, it has been classified as a Variant of Uncertain Significance.

Ambry Genetics
Classification: Uncertain significance for Hereditary cancer-predisposing syndrome. Last evaluated: 2022-03-21. Review status: criteria provided, single submitter. Criteria: Ambry Variant Classification Scheme 2023. Collection method: clinical testing. Allele origin: germline.
Comment: The p.N371K variant (also known as c.1113T>G), located in coding exon 10 of the PMS2 gene, results from a T to G substitution at nucleotide position 1113. The asparagine at codon 371 is replaced by lysine, an amino acid with similar properties. This amino acid position is not well conserved in available vertebrate species. In addition, this alteration is predicted to be tolerated by in silico analysis. Since supporting evidence is limited at this time, the clinical significance of this alteration remains unclear.

GeneDx
Classification: Uncertain significance. Last evaluated: 2020-03-26. Review status: criteria provided, single submitter. Criteria: GeneDx Variant Classification Process June 2021. Collection method: clinical testing. Allele origin: germline. Affected: yes.
Comment: Not observed in large population cohorts (Lek 2016); While protein-based in silico analysis supports that this variant does not alter protein structure/function, splice predictors support a deleterious effect.; Has not been previously published as pathogenic or benign to our knowledge

NM_000535.7(PMS2):c.1113T>G (p.Asn371Lys)

Gene: PMS2 (PMS1 homolog 2, mismatch repair system component; minus strand). Cytogenetic location: 7p22.1.
Variant type: single nucleotide variant.
Coding change: c.1113T>G on transcript NM_000535.7 (MANE Select); coding-DNA position 1113, T replaced by G.
Protein change: p.Asn371Lys; replaces asparagine 371 with lysine.
Molecular consequence: missense variant. On other transcripts: non-coding transcript variant (1), intron variant (2).
Genome position (GRCh38, 1-based): chr7:5,989,831, A>C on the plus strand (T>G on the coding strand, the complement: PMS2 is on the minus strand). VCF-style: chr7-5989831-A-C. GRCh37 (hg19) VCF-style: chr7-6029462-A-C.
Other names: c.708T>G, p.Asn236Lys (NM_001322003.2, NM_001322004.2, NM_001322005.2 and 1 more transcripts); c.795T>G, p.Asn265Lys (NM_001322007.2, NM_001322008.2); c.180T>G, p.Asn60Lys (NM_001322011.2, NM_001322012.2); c.540T>G, p.Asn180Lys (NM_001322013.2); c.1113T>G, p.Asn371Lys (NM_001322014.2); c.804T>G, p.Asn268Lys (NM_001322015.2); c.583+2142T>G (NM_001322010.2); c.988+2142T>G (NM_001322006.2); short protein forms N371K, N180K, N60K, N265K, N268K, N236K.
Identifiers: ClinVar variation 419598 (VCV000419598.16), dbSNP rs989130272, ClinGen allele CA16618518.